The following is an entry in ClinVar:

ClinVar aggregate classification (germline): Uncertain significance. Review status: criteria provided, multiple submitters, no conflicts (2 of 4 stars). 2 submissions from 2 submitters: Uncertain significance (2). Last evaluated 2021-03-08.

Allele frequency attached by ClinVar (database versions not stated): gnomAD exomes below 0.00001 and 0.00001; ExAC 0.00003.

Submissions (2):

Labcorp Genetics (formerly Invitae), Labcorp
Classification: Uncertain significance. Last evaluated: 2021-03-08. Review status: criteria provided, single submitter. Criteria: Invitae Variant Classification Sherloc (09022015). Collection method: clinical testing. Allele origin: germline.
Comment: Advanced modeling of protein sequence and biophysical properties (such as structural, functional, and spatial information, amino acid conservation, physicochemical variation, residue mobility, and thermodynamic stability) performed at Invitae indicates that this missense variant is not expected to disrupt CYP4V2 protein function. In summary, the available evidence is currently insufficient to determine the role of this variant in disease. Therefore, it has been classified as a Variant of Uncertain Significance. This variant has been observed in individual(s) with Bietti crystalline dystrophy (external communication). ClinVar contains an entry for this variant (Variation ID: 866106). This variant is present in population databases (rs778598903, ExAC 0.01%). This sequence change replaces leucine with proline at codon 65 of the CYP4V2 protein (p.Leu65Pro). The leucine residue is weakly conserved and there is a moderate physicochemical difference between leucine and proline.

Blueprint Genetics
Classification: Uncertain significance. Last evaluated: 2018-05-13. Review status: criteria provided, single submitter. Criteria: ACMG Guidelines, 2015. Collection method: clinical testing. Allele origin: germline.

NM_207352.4(CYP4V2):c.194T>C (p.Leu65Pro)

Gene: CYP4V2 (cytochrome P450 family 4 subfamily V member 2; plus strand). Cytogenetic location: 4q35.1.
Variant type: single nucleotide variant.
Coding change: c.194T>C on transcript NM_207352.4 (MANE Select); coding-DNA position 194, T replaced by C.
Protein change: p.Leu65Pro; replaces leucine 65 with proline.
Molecular consequence: missense variant.
Genome position (GRCh38, 1-based): chr4:186,192,017, T>C. VCF-style: chr4-186192017-T-C. GRCh37 (hg19) VCF-style: chr4-187113171-T-C.
Other names: short protein forms L65P.
Identifiers: ClinVar variation 866106 (VCV000866106.10), dbSNP rs778598903, ClinGen allele CA3162435.